The following is an entry in ClinVar:

NM_001003694.2(BRPF1):c.924C>T (p.Pro308=)

Gene: BRPF1 (bromodomain and PHD finger containing 1; plus strand). Cytogenetic location: 3p25.3.
Variant type: single nucleotide variant.
Coding change: c.924C>T on transcript NM_001003694.2 (MANE Select); coding-DNA position 924, C replaced by T.
Protein change: p.Pro308=; no amino-acid change (proline 308 retained).
Molecular consequence: synonymous variant. On other transcripts: non-coding transcript variant (1).
Genome position (GRCh38, 1-based): chr3:9,739,323, C>T. VCF-style: chr3-9739323-C-T. GRCh37 (hg19) VCF-style: chr3-9781007-C-T.
Other names: c.924C>T, p.Pro308= (NM_001319049.2, NM_001319050.2, NM_001410704.1 and 1 more transcripts).
Identifiers: ClinVar variation 3067542 (VCV003067542.21), dbSNP rs528579713, ClinGen allele CA2241794.

ClinVar aggregate classification (germline): Likely benign (1 of 4 stars; one submission).

Allele frequency attached by ClinVar (database versions not stated): TOPMed below 0.00001; gnomAD 0.00005; gnomAD exomes 0.00008; ExAC 0.00013; 1000 Genomes Project 0.00040; 1000 Genomes Project 30x 0.00047.
gnomAD v4.1: 128 of 1,614,216 alleles (0.0079%); highest among the groups gnomAD compares: South Asian, 0.13%; 1 homozygote.

Submission:

CeGaT Center for Human Genetics Tuebingen
Classification: Likely benign. Last evaluated: 2024-03-01. Review status: criteria provided, single submitter. Criteria: CeGaT Center For Human Genetics Tuebingen Variant Classification Criteria Version 2. Collection method: clinical testing. Allele origin: germline. Affected: yes. Observed: 1 variant allele.
Comment: BRPF1: BP4, BP7, BS1